The following is an entry in ClinVar:

NM_000539.3(RHO):c.953_955del (p.Leu318_Thr319delinsPro)

Gene: RHO (rhodopsin; plus strand). Cytogenetic location: 3q22.1.
Variant type: Deletion.
Coding change: c.953_955del on transcript NM_000539.3 (MANE Select); coding-DNA positions 953 to 955, 3 bases deleted (TCA; older notation c.953_955delTCA).
Protein change: p.Leu318_Thr319delinsPro.
Molecular consequence: inframe indel.
Genome position (GRCh38, 1-based): chr3:129,533,624-129,533,626, TCA deleted. VCF-style (leftmost placement, unchanged base first): chr3-129533623-CTCA-C. GRCh37 (hg19) VCF-style: chr3-129252466-CTCA-C.
Identifiers: ClinVar variation 984770 (VCV000984770.9), dbSNP rs2084800683, ClinGen allele CA1139655836.

ClinVar aggregate classification (germline): Conflicting classifications of pathogenicity. Review status: criteria provided, conflicting classifications (1 of 4 stars). 3 submissions from 3 submitters: Likely pathogenic (2); Uncertain significance (1). Last evaluated 2025-10-09.

Conditions:
RHO-related disorder. Also called: RHO-related condition.
Retinitis pigmentosa 4 (RP4). Also called: RETINITIS PIGMENTOSA, RHODOPSIN-RELATED. Identifiers: Orphanet 791, MedGen C3151001, MONDO:0013395, OMIM 613731.

Allele frequency attached by ClinVar (database versions not stated): gnomAD exomes below 0.00001.

Submissions (3):

Labcorp Genetics (formerly Invitae), Labcorp
Classification: Uncertain significance. Last evaluated: 2025-10-09. Review status: criteria provided, single submitter. Criteria: Invitae Variant Classification Sherloc (09022015). Collection method: clinical testing. Allele origin: germline.
Comment: This variant, c.953_955del, is a complex sequence change that results in the deletion of 2 and insertion of 1 amino acid(s) in the RHO protein (p.Leu318_Thr319delinsPro). This variant is not present in population databases (gnomAD no frequency). This variant has been observed in individuals with retinitis pigmentosa (PMID: 11139241, 33749171, 38219857). This variant is also known as p.L318del. ClinVar contains an entry for this variant (Variation ID: 984770). Algorithms developed to predict the effect of variants on gene product structure and function are not available or were not evaluated for this variant. Experimental studies have shown that this variant affects RHO function (PMID: 30977563). In summary, the available evidence is currently insufficient to determine the role of this variant in disease. Therefore, it has been classified as a Variant of Uncertain Significance.

Blueprint Genetics
Classification: Likely pathogenic for RHO-related disorders. Last evaluated: 2023-10-26. Review status: criteria provided, single submitter. Criteria: ACMG Guidelines, 2015. Collection method: clinical testing. Allele origin: germline. Affected: yes. Observed: 1 variant allele.

Centre for Genomic Medicine, Manchester, Central Manchester University Hospitals
Classification: Likely pathogenic for Retinitis pigmentosa 4. Last evaluated: 2020-09-01. Review status: criteria provided, single submitter. Criteria: ACMG Guidelines, 2015. Collection method: clinical testing. Allele origin: germline. Affected: yes. Observed: 1 heterozygote.

Literature cited by the submitters: PubMed 11139241 (cited by Labcorp Genetics (formerly Invitae), Labcorp); PubMed 33749171 (cited by Labcorp Genetics (formerly Invitae), Labcorp); PubMed 38219857 (cited by Labcorp Genetics (formerly Invitae), Labcorp); PubMed 30977563 (cited by Labcorp Genetics (formerly Invitae), Labcorp).